The following is an entry in ClinVar:

ClinVar aggregate classification (germline): Likely pathogenic (1 of 4 stars; one submission).

gnomAD v4.1: 1 of 1,614,076 alleles (0.000062%); no homozygotes.

Submission:

Labcorp Genetics (formerly Invitae), Labcorp
Classification: Likely pathogenic. Last evaluated: 2022-07-06. Review status: criteria provided, single submitter. Criteria: Invitae Variant Classification Sherloc (09022015). Collection method: clinical testing. Allele origin: germline.
Comment: This sequence change affects a donor splice site in intron 49 of the LAMA1 gene. It is expected to disrupt RNA splicing. Variants that disrupt the donor or acceptor splice site typically lead to a loss of protein function (PMID: 16199547), and loss-of-function variants in LAMA1 are known to be pathogenic (PMID: 25105227, 26932191). This variant is not present in population databases (gnomAD no frequency). This variant has not been reported in the literature in individuals affected with LAMA1-related conditions. Algorithms developed to predict the effect of sequence changes on RNA splicing suggest that this variant may disrupt the consensus splice site. In summary, the currently available evidence indicates that the variant is pathogenic, but additional data are needed to prove that conclusively. Therefore, this variant has been classified as Likely Pathogenic.

Literature cited by the submitters: PubMed 16199547; PubMed 25105227; PubMed 26932191.

NM_005559.4(LAMA1):c.7050+1G>C

Gene: LAMA1 (laminin subunit alpha 1; minus strand). Cytogenetic location: 18p11.31.
Variant type: single nucleotide variant.
Coding change: c.7050+1G>C on transcript NM_005559.4 (MANE Select); the canonical splice donor site of the intron after coding-DNA position 7050, G replaced by C.
Molecular consequence: splice donor variant.
Genome position (GRCh38, 1-based): chr18:6,966,146, C>G on the plus strand (G>C on the coding strand, the complement: LAMA1 is on the minus strand). VCF-style: chr18-6966146-C-G. GRCh37 (hg19) VCF-style: chr18-6966145-C-G.
Identifiers: ClinVar variation 2126021 (VCV002126021.4), dbSNP rs1043216324, ClinGen allele CA295752382.